The following is an entry in ClinVar:

NM_001289808.2(CRYAB):c.201+5G>A

Gene: CRYAB (crystallin alpha B; minus strand). Cytogenetic location: 11q23.1.
Variant type: single nucleotide variant.
Coding change: c.201+5G>A on transcript NM_001289808.2 (MANE Select); 5 bases into the intron after coding-DNA position 201, G replaced by A.
Molecular consequence: intron variant.
Genome position (GRCh38, 1-based): chr11:111,911,519, C>T on the plus strand (G>A on the coding strand, the complement: CRYAB is on the minus strand). VCF-style: chr11-111911519-C-T. GRCh37 (hg19) VCF-style: chr11-111782243-C-T.
Other names: c.201+5G>A (NM_001368245.1, NM_001885.3, NM_001289807.1).
Identifiers: ClinVar variation 2890149 (VCV002890149.3), dbSNP rs1555165537, ClinGen allele CA2739271006.

ClinVar aggregate classification (germline): Uncertain significance (1 of 4 stars; one submission).

Conditions:
Dilated cardiomyopathy 1II (CMD1II). Identifiers: Orphanet 154, MedGen C3554649, MONDO:0014073, OMIM 615184.

Submission:

Labcorp Genetics (formerly Invitae), Labcorp
Classification: Uncertain significance for Dilated cardiomyopathy 1II. Last evaluated: 2022-10-13. Review status: criteria provided, single submitter. Criteria: Invitae Variant Classification Sherloc (09022015). Collection method: clinical testing. Allele origin: germline.
Comment: In summary, the available evidence is currently insufficient to determine the role of this variant in disease. Therefore, it has been classified as a Variant of Uncertain Significance. Variants that disrupt the consensus splice site are a relatively common cause of aberrant splicing (PMID: 17576681, 9536098). Algorithms developed to predict the effect of sequence changes on RNA splicing suggest that this variant is not likely to affect RNA splicing. This variant has not been reported in the literature in individuals affected with CRYAB-related conditions. This variant is not present in population databases (gnomAD no frequency). This sequence change falls in intron 2 of the CRYAB gene. It does not directly change the encoded amino acid sequence of the CRYAB protein. It affects a nucleotide within the consensus splice site.

Literature cited by the submitters: PubMed 17576681; PubMed 9536098.